The following is an entry in ClinVar:

NM_152564.5(VPS13B):c.7578A>T (p.Gln2526His)

Gene: VPS13B (vacuolar protein sorting 13 homolog B; plus strand). Cytogenetic location: 8q22.2.
Variant type: single nucleotide variant.
Coding change: c.7578A>T on transcript NM_152564.5 (MANE Select); coding-DNA position 7578, A replaced by T.
Protein change: p.Gln2526His; replaces glutamine 2526 with histidine.
Molecular consequence: missense variant.
Genome position (GRCh38, 1-based): chr8:99,778,830, A>T. VCF-style: chr8-99778830-A-T. GRCh37 (hg19) VCF-style: chr8-100791058-A-T.
Other names: c.7653A>T, p.Gln2551His (NM_017890.5); short protein forms Q2526H, Q2551H.
Identifiers: ClinVar variation 3061354 (VCV003061354.2), dbSNP rs1254633467, ClinGen allele CA371876268.

ClinVar aggregate classification (germline): Uncertain significance (0 of 4 stars; one submission).

Conditions:
VPS13B-related disorder. Also called: VPS13B-related condition.

Allele frequency attached by ClinVar (database versions not stated): gnomAD exomes below 0.00001; gnomAD 0.00001; TOPMed 0.00001.
gnomAD v4.1: 2 of 1,613,934 alleles (0.00012%); highest among the groups gnomAD compares: Non-Finnish European, 0.00017%; no homozygotes.

Submission:

PreventionGenetics, part of Exact Sciences
Classification: Uncertain significance for VPS13B-related condition. Last evaluated: 2024-02-27. Review status: no assertion criteria provided. Collection method: clinical testing. Allele origin: germline.
Comment: The VPS13B c.7578A>T variant is predicted to result in the amino acid substitution p.Gln2526His. To our knowledge, this variant has not been reported in the literature. This variant is reported in 0.00088% of alleles in individuals of European (Non-Finnish) descent in gnomAD. At this time, the clinical significance of this variant is uncertain due to the absence of conclusive functional and genetic evidence.